The following is an entry in ClinVar:

NM_033380.3(COL4A5):c.200del (p.Pro67fs)

Gene: COL4A5 (collagen type IV alpha 5 chain; plus strand). Cytogenetic location: Xq22.3.
Variant type: Deletion.
Coding change: c.200del on transcript NM_033380.3 (MANE Select); coding-DNA position 200, one base deleted (C; older notation c.200delC).
Protein change: p.Pro67fs; shifts the reading frame from proline 67.
Molecular consequence: frameshift variant.
Genome position (GRCh38, 1-based): chrX:108,559,122, C deleted; the last of 2 consecutive C bases (chrX:108,559,121-108,559,122); deleting either gives the same sequence. VCF-style (leftmost placement, unchanged base first): chrX-108559120-TC-T. GRCh37 (hg19) VCF-style: chrX-107802350-TC-T.
Other names: c.200del, p.Pro67fs (NM_000495.5); short protein forms P67fs.
Identifiers: ClinVar variation 4982751 (VCV004982751.1).
Genomic context (GRCh38, chrX:108,559,120, plus strand): 5'-GCAGGGAGAGAGAGGGTTTCCAGGTTTGGAAGGACACCCAGGATTGCCTGGATTTCCAGG[TC>T]CAGAAGGGCCTCCGGGGCCTCGGGGACAAAAGGTATGTATCATGTTGCCAACCAGTAATG-3'

ClinVar aggregate classification (germline): Likely pathogenic (1 of 4 stars; one submission).

Conditions:
COL4A5-related disorder. Also called: COL4A5-related condition.

Submission:

PreventionGenetics, part of Exact Sciences
Classification: Likely pathogenic for COL4A5-related condition. Last evaluated: 2025-01-14. Review status: criteria provided, single submitter. Criteria: ACMG Guidelines, 2015. Collection method: clinical testing. Allele origin: germline.
Comment: The COL4A5 c.200delC variant is predicted to result in a frameshift and premature protein termination (p.Pro67Glnfs*88). To our knowledge, this variant has not been reported in the literature or in a large population database (gnomAD), indicating this variant is rare. Frameshift variants in COL4A5 are expected to be pathogenic. This variant is interpreted as likely pathogenic.